The following is an entry in ClinVar:

NM_177438.3(DICER1):c.319delinsTGCTGGTTTGACA (p.Ala107delinsCysTrpPheAspThr)

Gene: DICER1 (dicer 1, ribonuclease III; minus strand). Cytogenetic location: 14q32.13.
Variant type: Indel.
Coding change: c.319delinsTGCTGGTTTGACA on transcript NM_177438.3 (MANE Select); coding-DNA position 319, G replaced by TGCTGGTTTGACA.
Protein change: p.Ala107delinsCysTrpPheAspThr.
Molecular consequence: inframe indel.
Genome position (GRCh38, 1-based): chr14:95,131,628, C replaced by TGTCAAACCAGCA on the plus strand (G replaced by TGCTGGTTTGACA on the coding strand, the reverse complement: DICER1 is on the minus strand). VCF-style: chr14-95131628-C-TGTCAAACCAGCA. GRCh37 (hg19) VCF-style: chr14-95597965-C-TGTCAAACCAGCA.
Other names: c.319delinsTGCTGGTTTGACA, p.Ala107delinsCysTrpPheAspThr (NM_001195573.1, NM_001271282.3, NM_001291628.2 and 1 more transcripts).
Identifiers: ClinVar variation 652657 (VCV000652657.7), dbSNP rs1595463330, ClinGen allele CA915946428.
Genomic context (GRCh38, chr14:95,131,628, plus strand): 5'-GGTTTGAGTATTCCCCAACCTTGAGATCTGAATGAGTTCTGACAGCTGACACTTGTTGAG[C>TGTCAAACCAGCA]AACCTGGTTTGCTAATTACAAATATAATACTCCATGTAAATATGAGAAATCTTGCCTAGT-3'

ClinVar aggregate classification (germline): Uncertain significance (1 of 4 stars; one submission).

Conditions:
DICER1-related tumor predisposition. Also called: DICER1-related pleuropulmonary blastoma cancer predisposition syndrome; DICER1 syndrome. Identifiers: Orphanet 284343, MedGen C3839822, MONDO:0100216.

Submission:

Labcorp Genetics (formerly Invitae), Labcorp
Classification: Uncertain significance for DICER1-related tumor predisposition. Last evaluated: 2024-07-23. Review status: criteria provided, single submitter. Criteria: Invitae Variant Classification Sherloc (09022015). Collection method: clinical testing. Allele origin: germline.
Comment: This variant, c.319delinsTGCTGGTTTGACA, is a complex sequence change that results in the deletion of 1 and insertion of 5 amino acid(s) in the DICER1 protein (p.Ala107delinsCysTrpPheAspThr). Information on the frequency of this variant in the gnomAD database is not available, as this variant may be reported differently in the database. This variant has not been reported in the literature in individuals affected with DICER1-related conditions. Experimental studies and prediction algorithms are not available or were not evaluated, and the functional significance of this variant is currently unknown. In summary, the available evidence is currently insufficient to determine the role of this variant in disease. Therefore, it has been classified as a Variant of Uncertain Significance.